The following is an entry in ClinVar:

ClinVar aggregate classification (germline): Uncertain significance. Review status: criteria provided, multiple submitters, no conflicts (2 of 4 stars). 2 submissions from 2 submitters: Uncertain significance (2). Last evaluated 2026-05-28.

Conditions:
Cardiovascular phenotype. Identifiers: MedGen CN230736.

gnomAD v4.1: 3 of 1,613,800 alleles (0.00019%); highest among the groups gnomAD compares: Middle Eastern, 0.033%; no homozygotes.

Submissions (2):

Ambry Genetics
Classification: Uncertain significance for Cardiovascular phenotype. Last evaluated: 2026-05-28. Review status: criteria provided, single submitter. Criteria: Ambry Variant Classification Scheme 2023. Collection method: clinical testing. Allele origin: germline.
Comment: The p.E3336K variant (also known as c.10006G>A), located in coding exon 38 of the ANK2 gene, results from a G to A substitution at nucleotide position 10006. The glutamic acid at codon 3336 is replaced by lysine, an amino acid with similar properties. This amino acid position is conserved. In addition, the in silico prediction for this alteration is inconclusive. Based on the available evidence, the clinical significance of this variant remains unclear.

GeneDx
Classification: Uncertain significance. Last evaluated: 2025-03-14. Review status: criteria provided, single submitter. Criteria: GeneDx Variant Classification Process June 2021. Collection method: clinical testing. Allele origin: germline. Affected: yes.
Comment: Not observed at significant frequency in large population cohorts (gnomAD); In silico analysis indicates that this missense variant does not alter protein structure/function; Has not been previously published as pathogenic or benign to our knowledge; This variant is associated with the following publications: (PMID: 1830053, 18790697, 26109584)

NM_001148.6(ANK2):c.10006G>A (p.Glu3336Lys)

Gene: ANK2 (ankyrin 2; plus strand). Cytogenetic location: 4q26.
Variant type: single nucleotide variant.
Coding change: c.10006G>A on transcript NM_001148.6 (MANE Select); coding-DNA position 10006, G replaced by A.
Protein change: p.Glu3336Lys; replaces glutamic acid 3336 with lysine.
Molecular consequence: missense variant. On other transcripts: intron variant (68).
Genome position (GRCh38, 1-based): chr4:113,358,624, G>A. VCF-style: chr4-113358624-G-A. GRCh37 (hg19) VCF-style: chr4-114279780-G-A.
Other names: c.4166-2199G>A (NM_001354257.2, NM_001386156.1); c.4241-2199G>A (NM_001354249.2, NM_001354266.2, NM_001354276.2 and 2 more transcripts); c.4208-2199G>A (NM_001386146.1, NM_001386150.1, NM_001386149.1 and 1 more transcripts); c.4193-2199G>A (NM_001354274.2, NM_001386154.1); c.4142-2199G>A (NM_001386151.1, NM_001354260.2, NM_001354271.2); c.4043-2199G>A (NM_001386157.1, NM_001354277.2); c.4361-2199G>A (NM_001386161.1, NM_001354244.2, NM_001354256.2); c.4286-2199G>A (NM_001354261.2); and 35 more; short protein forms E2136K, E3258K, E3336K, E3375K, E3383K.
Identifiers: ClinVar variation 4083209 (VCV004083209.2).